The following is an entry in ClinVar:

ClinVar aggregate classification (germline): Uncertain significance (1 of 4 stars; one submission).

Conditions:
Pulmonary hypertension, primary, 2. Identifiers: Orphanet 422, MedGen C3888002, MONDO:0014134, OMIM 615342.

Submission:

Labcorp Genetics (formerly Invitae), Labcorp
Classification: Uncertain significance for Pulmonary hypertension, primary, 2. Last evaluated: 2026-02-03. Review status: criteria provided, single submitter. Criteria: Invitae Variant Classification Sherloc (09022015). Collection method: clinical testing. Allele origin: germline.
Comment: This sequence change replaces valine, which is neutral and non-polar, with methionine, which is neutral and non-polar, at codon 336 of the SMAD9 protein (p.Val336Met). This variant is not present in population databases (gnomAD no frequency). This variant has not been reported in the literature in individuals affected with SMAD9-related conditions. An algorithm developed to predict the effect of missense changes on protein structure and function (PolyPhen-2) suggests that this variant is likely to be disruptive. In summary, the available evidence is currently insufficient to determine the role of this variant in disease. Therefore, it has been classified as a Variant of Uncertain Significance.

NM_001127217.3(SMAD9):c.1006G>A (p.Val336Met)

Gene: SMAD9 (SMAD family member 9; minus strand). Cytogenetic location: 13q13.3.
Variant type: single nucleotide variant.
Coding change: c.1006G>A on transcript NM_001127217.3 (MANE Select); coding-DNA position 1006, G replaced by A.
Protein change: p.Val336Met; replaces valine 336 with methionine.
Molecular consequence: missense variant.
Genome position (GRCh38, 1-based): chr13:36,853,673, C>T on the plus strand (G>A on the coding strand, the complement: SMAD9 is on the minus strand). VCF-style: chr13-36853673-C-T. GRCh37 (hg19) VCF-style: chr13-37427810-C-T.
Other names: c.895G>A, p.Val299Met (NM_001378621.1, NM_005905.6); short protein forms V299M, V336M.
Identifiers: ClinVar variation 4770197 (VCV004770197.1).
Genomic context (GRCh38, chr13:36,853,673, plus strand): 5'-AGATGCTGCTGTCACTCACGCACTCGGCATACACCTCTCCCCCGACGTAGTACAAGTGCA[C>T]ACCTGCAGACACAAAAACACAGCCTTCCTTCACATGCCCTTTCATAGCGTGCCTCTCCCA-3'
Protein context (NP_001120689.1, residues 326-346): ENTRRHIGKG[Val336Met]HLYYVGGEVY